The following is an entry in ClinVar:

ClinVar aggregate classification (germline): Uncertain significance (1 of 4 stars; one submission).

Conditions:
Cardiomyopathy (CMYO). Also called: Cardiomyopathies. Identifiers: Orphanet 167848, MedGen C0878544, MONDO:0004994, HP:0001638. Inheritance: Various modes of inheritance.

Allele frequency attached by ClinVar (database versions not stated): gnomAD exomes below 0.00001.
gnomAD v4.1: 1 of 1,614,210 alleles (0.000062%); highest among the groups gnomAD compares: Non-Finnish European, 0.000085%; no homozygotes.

Submission:

Color Diagnostics, LLC DBA Color Health
Classification: Uncertain significance for Cardiomyopathy. Last evaluated: 2023-02-06. Review status: criteria provided, single submitter. Criteria: ACMG Guidelines, 2015. Collection method: clinical testing. Allele origin: germline.
Comment: This missense variant replaces alanine with threonine at codon 2296 of the DSP protein. Computational prediction is inconclusive regarding the impact of this variant on protein structure and function (internally defined REVEL score threshold 0.5 < inconclusive < 0.7, PMID: 27666373). To our knowledge, functional studies have not been reported for this variant. This variant has not been reported in individuals affected with DSP-related disorders in the literature. This variant has not been identified in the general population by the Genome Aggregation Database (gnomAD). The available evidence is insufficient to determine the role of this variant in disease conclusively. Therefore, this variant is classified as a Variant of Uncertain Significance.

NM_004415.4(DSP):c.6886G>A (p.Ala2296Thr)

Gene: DSP (desmoplakin; plus strand). Cytogenetic location: 6p24.3.
Variant type: single nucleotide variant.
Coding change: c.6886G>A on transcript NM_004415.4 (MANE Select); coding-DNA position 6886, G replaced by A.
Protein change: p.Ala2296Thr; replaces alanine 2296 with threonine.
Molecular consequence: missense variant.
Genome position (GRCh38, 1-based): chr6:7,584,148, G>A. VCF-style: chr6-7584148-G-A. GRCh37 (hg19) VCF-style: chr6-7584381-G-A.
Other names: c.5089G>A, p.Ala1697Thr (NM_001008844.3); c.5557G>A, p.Ala1853Thr (NM_001319034.2); short protein forms A1697T, A1853T, A2296T.
Identifiers: ClinVar variation 2775353 (VCV002775353.2), dbSNP rs1759550384, ClinGen allele CA362691771.